The following is an entry in ClinVar:

ClinVar aggregate classification (germline): Uncertain significance (1 of 4 stars; one submission).

Conditions:
3-methylglutaconic aciduria, type VIIB (MGCA7B). Also called: 3-methylglutaconic aciduria, type VII, with cataracts, neurologic involvement and neutropenia; 3-methylglutaconic aciduria with cataracts, neurologic involvement and neutropenia; CLPB Deficiency. Identifiers: Orphanet 445038, MedGen C5676893, MONDO:0014561, OMIM 616271.

gnomAD v4.1: 2 of 1,612,892 alleles (0.00012%); highest among the groups gnomAD compares: Non-Finnish European, 0.00017%; no homozygotes.

Submission:

Labcorp Genetics (formerly Invitae), Labcorp
Classification: Uncertain significance for 3-methylglutaconic aciduria, type VIIB. Last evaluated: 2020-05-26. Review status: criteria provided, single submitter. Criteria: Invitae Variant Classification Sherloc (09022015). Collection method: clinical testing. Allele origin: germline.
Comment: In summary, the available evidence is currently insufficient to determine the role of this variant in disease. Therefore, it has been classified as a Variant of Uncertain Significance. Algorithms developed to predict the effect of missense changes on protein structure and function (SIFT, PolyPhen-2, Align-GVGD) all suggest that this variant is likely to be tolerated, but these predictions have not been confirmed by published functional studies and their clinical significance is uncertain. This variant has not been reported in the literature in individuals with CLPB-related conditions. This variant is not present in population databases (ExAC no frequency). This sequence change replaces alanine with glutamic acid at codon 68 of the CLPB protein (p.Ala68Glu). The alanine residue is weakly conserved and there is a moderate physicochemical difference between alanine and glutamic acid.

NM_001258392.3(CLPB):c.203C>A (p.Ala68Glu)

Genes: CLPB (ClpB family mitochondrial disaggregase; minus strand), LOC130006336 (ATAC-STARR-seq lymphoblastoid active region 5191; plus strand). Cytogenetic location: 11q13.4.
Variant type: single nucleotide variant.
Coding change: c.203C>A on transcript NM_001258392.3 (MANE Select); coding-DNA position 203, C replaced by A.
Protein change: p.Ala68Glu; replaces alanine 68 with glutamic acid.
Molecular consequence: missense variant. On other transcripts: 5 prime UTR variant (1).
Genome position (GRCh38, 1-based): chr11:72,434,272, G>T on the plus strand (C>A on the coding strand, the complement: CLPB is on the minus strand). VCF-style: chr11-72434272-G-T. GRCh37 (hg19) VCF-style: chr11-72145316-G-T.
Other names: c.203C>A, p.Ala68Glu (NM_001258393.3, NM_030813.6); c.-40C>A (NM_001258394.3); short protein forms A68E.
Identifiers: ClinVar variation 1061024 (VCV001061024.9), dbSNP rs746191886, ClinGen allele CA381963397.